The following is an entry in ClinVar:

ClinVar aggregate classification (germline): Benign. Review status: criteria provided, multiple submitters, no conflicts (2 of 4 stars). 2 submissions from 2 submitters: Benign (2). Last evaluated 2025-01-01.

Allele frequency attached by ClinVar (database versions not stated): 1000 Genomes Project 30x 0.00422; 1000 Genomes Project 0.00479; TOPMed 0.00522; gnomAD 0.00584 and 0.00595; ESP Exome Variant Server 0.00677; gnomAD exomes 0.00688 and 0.00766; ExAC 0.00772.

Submissions (2):

CeGaT Center for Human Genetics Tuebingen
Classification: Benign. Last evaluated: 2025-01-01. Review status: criteria provided, single submitter. Criteria: CeGaT Center For Human Genetics Tuebingen Variant Classification Criteria Version 2. Collection method: clinical testing. Allele origin: germline. Affected: yes. Observed: 1 variant allele.
Comment: IL4: BP4, BP7, BS1, BS2

Labcorp Genetics (formerly Invitae), Labcorp
Classification: Benign. Last evaluated: 2019-12-31. Review status: criteria provided, single submitter. Criteria: Invitae Variant Classification Sherloc (09022015). Collection method: clinical testing. Allele origin: germline.

NM_000589.4(IL4):c.333C>T (p.Asp111=)

Genes: IL4 (interleukin 4; plus strand), IL4-AS1 (IL4 antisense RNA 1; minus strand). Cytogenetic location: 5q31.1.
Variant type: single nucleotide variant.
Coding change: c.333C>T on transcript NM_000589.4 (MANE Select); coding-DNA position 333, C replaced by T.
Protein change: p.Asp111=; no amino-acid change (aspartic acid 111 retained).
Molecular consequence: synonymous variant. On other transcripts: non-coding transcript variant (1), 3 prime UTR variant (1).
Genome position (GRCh38, 1-based): chr5:132,679,863, C>T. VCF-style: chr5-132679863-C-T. GRCh37 (hg19) VCF-style: chr5-132015555-C-T.
Other names: c.*23C>T (NM_001354990.2); c.285C>T, p.Asp95= (NM_172348.3).
Identifiers: ClinVar variation 782744 (VCV000782744.17), dbSNP rs35648164, ClinGen allele CA3405974.